The following is an entry in ClinVar:

NM_003014.4(SFRP4):c.184G>T (p.Glu62Ter)

Gene: SFRP4 (secreted frizzled related protein 4; minus strand). Cytogenetic location: 7p14.1.
Variant type: single nucleotide variant.
Coding change: c.184G>T on transcript NM_003014.4 (MANE Select); coding-DNA position 184, G replaced by T.
Protein change: p.Glu62Ter; replaces glutamic acid 62 with a stop codon.
Molecular consequence: nonsense.
Genome position (GRCh38, 1-based): chr7:37,916,354, C>A on the plus strand (G>T on the coding strand, the complement: SFRP4 is on the minus strand). VCF-style: chr7-37916354-C-A. GRCh37 (hg19) VCF-style: chr7-37955956-C-A.
Other names: short protein forms E62*.
Identifiers: ClinVar variation 1983442 (VCV001983442.4), dbSNP rs946302056, ClinGen allele CA367220828.

ClinVar aggregate classification (germline): Pathogenic (1 of 4 stars; one submission).

Allele frequency attached by ClinVar (database versions not stated): gnomAD 0.00001; TOPMed 0.00002.
gnomAD v4.1: 3 of 1,614,120 alleles (0.00019%); highest among the groups gnomAD compares: Admixed American, 0.005%; no homozygotes.

Submission:

Labcorp Genetics (formerly Invitae), Labcorp
Classification: Pathogenic. Last evaluated: 2025-09-17. Review status: criteria provided, single submitter. Criteria: Invitae Variant Classification Sherloc (09022015). Collection method: clinical testing. Allele origin: germline.
Comment: This sequence change creates a premature translational stop signal (p.Glu62*) in the SFRP4 gene. It is expected to result in an absent or disrupted protein product. Loss-of-function variants in SFRP4 are known to be pathogenic (PMID: 27355534). This variant is not present in population databases (gnomAD no frequency). This variant has not been reported in the literature in individuals affected with SFRP4-related conditions. ClinVar contains an entry for this variant (Variation ID: 1983442). For these reasons, this variant has been classified as Pathogenic.

Literature cited by the submitters: PubMed 27355534.